The following is an entry in ClinVar:

NM_000163.5(GHR):c.337del (p.Tyr113fs)

Gene: GHR (growth hormone receptor; plus strand). Cytogenetic location: 5p12.
Variant type: Deletion.
Coding change: c.337del on transcript NM_000163.5 (MANE Select); coding-DNA position 337, one base deleted (T; older notation c.337delT).
Protein change: p.Tyr113fs; shifts the reading frame from tyrosine 113.
Molecular consequence: frameshift variant.
Genome position (GRCh38, 1-based): chr5:42,694,987, T deleted; the last of 2 consecutive T bases (chr5:42,694,986-42,694,987); deleting either gives the same sequence. VCF-style (leftmost placement, unchanged base first): chr5-42694985-GT-G. GRCh37 (hg19) VCF-style: chr5-42695087-GT-G.
Other names: c.358del, p.Tyr120fs (NM_001242399.2); c.337del, p.Tyr113fs (NM_001242400.2, NM_001242401.4, NM_001242402.2 and 5 more transcripts); c.271delT, p.Tyr91Thrfs (NM_001242460.2); short protein forms Y91fs, Y113fs, Y120fs.
Identifiers: ClinVar variation 2704686 (VCV002704686.3), dbSNP rs2530669683, ClinGen allele CA2697547150.
Genomic context (GRCh38, chr5:42,694,985, plus strand): 5'-AAGAATGGACTCAAGAATGGAAAGAATGCCCTGATTATGTTTCTGCTGGGGAAAACAGCT[GT>G]TACTTTAATTCATCGTTTACCTCCATCTGGATACCTTATTGTATCAAGCTAACTAGCAAT-3'

ClinVar aggregate classification (germline): Pathogenic (1 of 4 stars; one submission).

Submission:

Labcorp Genetics (formerly Invitae), Labcorp
Classification: Pathogenic. Last evaluated: 2023-12-21. Review status: criteria provided, single submitter. Criteria: Invitae Variant Classification Sherloc (09022015). Collection method: clinical testing. Allele origin: germline.
Comment: This sequence change creates a premature translational stop signal (p.Tyr113Thrfs*17) in the GHR gene. It is expected to result in an absent or disrupted protein product. Loss-of-function variants in GHR are known to be pathogenic (PMID: 1999489, 8488849). This variant is not present in population databases (gnomAD no frequency). This variant has not been reported in the literature in individuals affected with GHR-related conditions. For these reasons, this variant has been classified as Pathogenic.

Literature cited by the submitters: PubMed 1999489; PubMed 8488849.